The following is an entry in ClinVar:

ClinVar aggregate classification (germline): Uncertain significance. Review status: criteria provided, multiple submitters, no conflicts (2 of 4 stars). 8 submissions from 6 submitters: Uncertain significance (8). Last evaluated 2026-01-21.

Conditions:
Cardiovascular phenotype. Identifiers: MedGen CN230736.
Arrhythmogenic cardiomyopathy with wooly hair and keratoderma. Also called: Carvajal syndrome; Dilated cardiomyopathy with woolly hair and keratoderma; Arrhythmogenic cardiomyopathy with woolly hair and keratoderma; PALMOPLANTAR KERATODERMA WITH LEFT VENTRICULAR CARDIOMYOPATHY AND WOOLLY HAIR. Identifiers: Orphanet 65282, MedGen C1854063, MONDO:0011581, OMIM 605676.
Arrhythmogenic right ventricular dysplasia 8 (ARVD8). Also called: Arrhythmogenic Right Ventricular Dysplasia/Cardiomyopathy 8; ARRHYTHMOGENIC RIGHT VENTRICULAR CARDIOMYOPATHY 8; ARRHYTHMOGENIC RIGHT VENTRICULAR DYSPLASIA, FAMILIAL, 8. Identifiers: MedGen C1843896, MONDO:0011831, OMIM 607450.
Cardiomyopathy (CMYO). Also called: Cardiomyopathies. Identifiers: Orphanet 167848, MedGen C0878544, MONDO:0004994, HP:0001638. Inheritance: Various modes of inheritance.
Lethal acantholytic epidermolysis bullosa (EBLA). Identifiers: Orphanet 158687, MedGen C1864826, MONDO:0012323, OMIM 609638.
Woolly hair-skin fragility syndrome (WHSF). Identifiers: Orphanet 293165, MedGen C1843292, MONDO:0957307, OMIM 620415.

Allele frequency attached by ClinVar (database versions not stated): ExAC 0.00001; gnomAD exomes 0.00001; gnomAD 0.00002 and 0.00003; TOPMed 0.00004; ESP Exome Variant Server 0.00015.
gnomAD v4.1: 14 of 1,613,992 alleles (0.00087%); highest among the groups gnomAD compares: Non-Finnish European, 0.0012%; no homozygotes.

Submissions (8):

Labcorp Genetics (formerly Invitae), Labcorp
Classification: Uncertain significance for Arrhythmogenic cardiomyopathy with wooly hair and keratoderma; Arrhythmogenic right ventricular dysplasia 8. Last evaluated: 2026-01-21. Review status: criteria provided, single submitter. Criteria: Invitae Variant Classification Sherloc (09022015). Collection method: clinical testing. Allele origin: germline.
Comment: This sequence change replaces arginine, which is basic and polar, with glycine, which is neutral and non-polar, at codon 1943 of the DSP protein (p.Arg1943Gly). This variant is not present in population databases (gnomAD no frequency). This variant has not been reported in the literature in individuals affected with DSP-related conditions. ClinVar contains an entry for this variant (Variation ID: 199895). An algorithm developed to predict the effect of missense changes on protein structure and function (PolyPhen-2) suggests that this variant is likely to be tolerated. In summary, the available evidence is currently insufficient to determine the role of this variant in disease. Therefore, it has been classified as a Variant of Uncertain Significance.

Ambry Genetics
Classification: Uncertain significance for Cardiovascular phenotype. Last evaluated: 2025-09-26. Review status: criteria provided, single submitter. Criteria: Ambry Variant Classification Scheme 2023. Collection method: clinical testing. Allele origin: germline.

GeneDx
Classification: Uncertain significance. Last evaluated: 2025-04-25. Review status: criteria provided, single submitter. Criteria: GeneDx Variant Classification Process June 2021. Collection method: clinical testing. Allele origin: germline. Affected: yes.
Comment: Not observed at significant frequency in large population cohorts (gnomAD); In silico analysis supports that this missense variant has a deleterious effect on protein structure/function; Has not been previously published as pathogenic or benign to our knowledge

Color Diagnostics, LLC DBA Color Health
Classification: Uncertain significance for Cardiomyopathy. Last evaluated: 2024-06-20. Review status: criteria provided, single submitter. Criteria: ACMG Guidelines, 2015. Collection method: clinical testing. Allele origin: germline.
Comment: This missense variant replaces arginine with glycine at codon 1943 of the DSP protein. Computational prediction suggests that this variant may not impact protein structure and function (internally defined REVEL score threshold <= 0.5, PMID: 27666373). To our knowledge, functional studies have not been reported for this variant. This variant has not been reported in individuals affected with DSP-related disorders in the literature. This variant has not been identified in the general population by the Genome Aggregation Database (gnomAD). The available evidence is insufficient to determine the role of this variant in disease conclusively. Therefore, this variant is classified as a Variant of Uncertain Significance.

All of Us Research Program, National Institutes of Health
Classification: Uncertain significance for Arrhythmogenic cardiomyopathy with wooly hair and keratoderma. Last evaluated: 2023-11-30. Review status: criteria provided, single submitter. Criteria: ACMG Guidelines, 2015. Collection method: clinical testing. Allele origin: germline. Inheritance: Autosomal dominant inheritance. Observed: 1 variant allele, 1 heterozygote.
Comment: This study involves interpretation of variants in research participants for the purpose of population health screening. Participant phenotype was not available at the time of variant classification. Additional details can be found in publication PMID: 35346344, PMCID: PMC8962531

Illumina Laboratory Services, Illumina
Classification: Uncertain significance for Arrhythmogenic cardiomyopathy with wooly hair and keratoderma. Last evaluated: 2018-01-13. Review status: criteria provided, single submitter. Criteria: ICSL Variant Classification Criteria 13 December 2019. Collection method: clinical testing. Allele origin: germline.

Illumina Laboratory Services, Illumina
Classification: Uncertain significance for Arrhythmogenic right ventricular dysplasia 8. Last evaluated: 2018-01-13. Review status: criteria provided, single submitter. Criteria: ICSL Variant Classification Criteria 13 December 2019. Collection method: clinical testing. Allele origin: germline.

Illumina Laboratory Services, Illumina
Classification: Uncertain significance for Lethal acantholytic epidermolysis bullosa. Last evaluated: 2018-01-13. Review status: criteria provided, single submitter. Criteria: ICSL Variant Classification Criteria 13 December 2019. Collection method: clinical testing. Allele origin: germline.

NM_004415.4(DSP):c.5827A>G (p.Arg1943Gly)

Gene: DSP (desmoplakin; plus strand). Cytogenetic location: 6p24.3.
Variant type: single nucleotide variant.
Coding change: c.5827A>G on transcript NM_004415.4 (MANE Select); coding-DNA position 5827, A replaced by G.
Protein change: p.Arg1943Gly; replaces arginine 1943 with glycine.
Molecular consequence: missense variant.
Genome position (GRCh38, 1-based): chr6:7,583,089, A>G. VCF-style: chr6-7583089-A-G. GRCh37 (hg19) VCF-style: chr6-7583322-A-G.
Other names: p.R1943G:AGA>GGA; c.4030A>G, p.Arg1344Gly (NM_001008844.3); c.4498A>G, p.Arg1500Gly (NM_001319034.2); c.5827A>G (LRG_423t1); short protein forms R1943G, R1344G, R1500G.
Identifiers: ClinVar variation 199895 (VCV000199895.21), dbSNP rs140663822, ClinGen allele CA006637.